The following is an entry in ClinVar:

NM_001292063.2(OTOG):c.607G>A (p.Val203Met)

Gene: OTOG (otogelin; plus strand). Cytogenetic location: 11p15.1.
Variant type: single nucleotide variant.
Coding change: c.607G>A on transcript NM_001292063.2 (MANE Select); coding-DNA position 607, G replaced by A.
Protein change: p.Val203Met; replaces valine 203 with methionine.
Molecular consequence: missense variant.
Genome position (GRCh38, 1-based): chr11:17,555,845, G>A. VCF-style: chr11-17555845-G-A. GRCh37 (hg19) VCF-style: chr11-17577392-G-A.
Other names: c.643G>A, p.Val215Met (NM_001277269.2); short protein forms V203M, V215M.
Identifiers: ClinVar variation 5016854 (VCV005016854.1).

ClinVar aggregate classification (germline): Uncertain significance (1 of 4 stars; one submission).

Submission:

GeneDx
Classification: Uncertain significance. Last evaluated: 2026-04-01. Review status: criteria provided, single submitter. Criteria: GeneDx Variant Classification Process June 2021. Collection method: clinical testing. Allele origin: germline.
Comment: Not observed at significant frequency in large population cohorts (gnomAD); In silico analysis suggests that this missense variant does not alter protein structure/function; Has not been previously published as pathogenic or benign to our knowledge